The following is an entry in ClinVar:

ClinVar aggregate classification (germline): Uncertain significance (1 of 4 stars; one submission).

Conditions:
Cardiomyopathy (CMYO). Also called: Cardiomyopathies. Identifiers: Orphanet 167848, MedGen C0878544, MONDO:0004994, HP:0001638. Inheritance: Various modes of inheritance.

Submission:

Color Diagnostics, LLC DBA Color Health
Classification: Uncertain significance for Cardiomyopathy. Last evaluated: 2024-05-13. Review status: criteria provided, single submitter. Criteria: ACMG Guidelines, 2015. Collection method: clinical testing. Allele origin: germline.
Comment: This variant changes 1 nucleotide in exon 37 of the RYR2 gene, creating a premature translation stop signal. This variant is expected to result in an absent or non-functional protein product. This variant has been reported in an individual affected with primary cardiomyopathy (PMID: 37477868). This variant has not been identified in the general population by the Genome Aggregation Database (gnomAD). Clinical relevance of loss-of-function RYR2 truncation variants in autosomal dominant cardiovascular disorders is not clearly established. The available evidence is insufficient to determine the role of this variant in disease conclusively. Therefore, this variant is classified as a Variant of Uncertain Significance.

Literature cited by the submitters: PubMed 37477868.

NM_001035.3(RYR2):c.5106C>G (p.Tyr1702Ter)

Gene: RYR2 (ryanodine receptor 2; plus strand). Cytogenetic location: 1q43.
Variant type: single nucleotide variant.
Coding change: c.5106C>G on transcript NM_001035.3 (MANE Select); coding-DNA position 5106, C replaced by G.
Protein change: p.Tyr1702Ter; replaces tyrosine 1702 with a stop codon.
Molecular consequence: nonsense.
Genome position (GRCh38, 1-based): chr1:237,614,234, C>G. VCF-style: chr1-237614234-C-G. GRCh37 (hg19) VCF-style: chr1-237777534-C-G.
Other names: short protein forms Y1702*.
Identifiers: ClinVar variation 3893863 (VCV003893863.1).
Genomic context (GRCh38, chr1:237,614,234, plus strand): 5'-ACCTCAGCTCCTCTATGCCATTGAGAACAAGTACATGCCTGGTTTGCTGCGTGCTGGCTA[C>G]TATGACCTGCTGATTGACATCCACCTGAGCTCCTATGCCACTGCCAGGCTCATGATGAAC-3'